The following is an entry in ClinVar:

ClinVar aggregate classification (germline): Uncertain significance (1 of 4 stars; one submission).

Conditions:
Familial thoracic aortic aneurysm and aortic dissection (TAAD). Also called: Thoracic aortic aneurysms and dissections. Identifiers: Orphanet 91387, MedGen C4707243, MONDO:0019625.

Submission:

Color Diagnostics, LLC DBA Color Health
Classification: Uncertain significance for Familial thoracic aortic aneurysm and aortic dissection. Last evaluated: 2023-12-04. Review status: criteria provided, single submitter. Criteria: ACMG Guidelines, 2015. Collection method: clinical testing. Allele origin: germline.
Comment: This missense variant replaces leucine with valine at codon 1285 of the MYH11 protein. Computational prediction tools and conservation analyses are inconclusive regarding the impact of this variant on the protein function. Computational splicing tools suggest that this variant may not impact RNA splicing. To our knowledge, functional assays have not been performed for this variant nor has this variant been reported in individuals affected with cardiovascular disorders in the literature. This variant has not been identified in the general population by the Genome Aggregation Database (gnomAD). Available evidence is insufficient to determine the role of this variant in disease conclusively. Therefore, this variant is classified as a Variant of Uncertain Significance.

NM_002474.3(MYH11):c.3832C>G (p.Leu1278Val)

Gene: MYH11 (myosin heavy chain 11; minus strand). Cytogenetic location: 16p13.11.
Variant type: single nucleotide variant.
Coding change: c.3832C>G on transcript NM_002474.3 (MANE Select); coding-DNA position 3832, C replaced by G.
Protein change: p.Leu1278Val; replaces leucine 1278 with valine.
Molecular consequence: missense variant.
Genome position (GRCh38, 1-based): chr16:15,726,874, G>C on the plus strand (C>G on the coding strand, the complement: MYH11 is on the minus strand). VCF-style: chr16-15726874-G-C. GRCh37 (hg19) VCF-style: chr16-15820731-G-C.
Other names: c.3853C>G, p.Leu1285Val (NM_001040113.2, NM_001040114.2); c.3832C>G, p.Leu1278Val (NM_022844.3); short protein forms L1285V, L1278V.
Identifiers: ClinVar variation 920272 (VCV000920272.5), dbSNP rs2040790247, ClinGen allele CA394859978.